The following is an entry in ClinVar:

NM_003126.4(SPTA1):c.4579_4586del (p.Ser1527fs)

Gene: SPTA1 (spectrin alpha, erythrocytic 1; minus strand). Cytogenetic location: 1q23.1.
Variant type: Deletion.
Coding change: c.4579_4586del on transcript NM_003126.4 (MANE Select); coding-DNA positions 4579 to 4586, 8 bases deleted (TCCTACAA; older notation c.4579_4586delTCCTACAA).
Protein change: p.Ser1527fs; shifts the reading frame from serine 1527.
Molecular consequence: frameshift variant.
Genome position (GRCh38, 1-based): chr1:158,642,833-158,642,840, TTGTAGGA deleted on the plus strand (TCCTACAA on the coding strand, the reverse complement: SPTA1 is on the minus strand); deleting any 8 consecutive bases within chr1:158,642,833-158,642,842 gives the same sequence; the c. name uses the placement nearest the transcript's 3' end. VCF-style (leftmost placement, unchanged base first): chr1-158642832-TTTGTAGGA-T. GRCh37 (hg19) VCF-style: chr1-158612622-TTTGTAGGA-T.
Other names: short protein forms S1527fs.
Identifiers: ClinVar variation 1162865 (VCV001162865.5), dbSNP rs2101829513, ClinGen allele CA2499214248.

ClinVar aggregate classification (germline): Likely pathogenic (1 of 4 stars; one submission).

Submission:

Mayo Clinic Laboratories, Mayo Clinic
Classification: Likely pathogenic. Last evaluated: 2020-08-27. Review status: criteria provided, single submitter. Criteria: ACMG Guidelines, 2015. Collection method: clinical testing. Allele origin: germline. Observed: 1 variant allele.
Comment: PVS1, PM2